The following is an entry in ClinVar:

ClinVar aggregate classification (germline): Pathogenic (1 of 4 stars; one submission).

Conditions:
Hereditary cancer-predisposing syndrome. Also called: Neoplastic Syndromes, Hereditary; Tumor predisposition; Hereditary Cancer Syndrome; Hereditary neoplastic syndrome. Identifiers: Orphanet 140162, MedGen C0027672, MeSH D009386, MONDO:0015356.
Cardiovascular phenotype. Identifiers: MedGen CN230736.

Submission:

Ambry Genetics
Classification: Pathogenic for Cardiovascular phenotype; Hereditary cancer-predisposing syndrome. Last evaluated: 2022-08-30. Review status: criteria provided, single submitter. Criteria: Ambry Variant Classification Scheme 2023. Collection method: clinical testing. Allele origin: germline.
Comment: The c.3607_3614delGATCGGTT pathogenic mutation, located in coding exon 27 of the NF1 gene, results from a deletion of 8 nucleotides at nucleotide positions 3607 to 3614, causing a translational frameshift with a predicted alternate stop codon (p.D1203*). This alteration is expected to result in loss of function by premature protein truncation or nonsense-mediated mRNA decay. As such, this alteration is interpreted as a disease-causing mutation.

NM_001042492.3(NF1):c.3607_3614del (p.Ala1202_Asp1203insTer)

Gene: NF1 (neurofibromin 1; plus strand). Cytogenetic location: 17q11.2.
Variant type: Deletion.
Coding change: c.3607_3614del on transcript NM_001042492.3 (MANE Select); coding-DNA positions 3607 to 3614, 8 bases deleted (GATCGGTT; older notation c.3607_3614delGATCGGTT).
Protein change: p.Ala1202_Asp1203insTer.
Molecular consequence: nonsense. On other transcripts: frameshift variant (1).
Genome position (GRCh38, 1-based): chr17:31,233,112-31,233,119, GATCGGTT deleted; deleting any 8 consecutive bases within chr17:31,233,111-31,233,119 gives the same sequence; the c. name uses the placement nearest the transcript's 3' end. VCF-style (leftmost placement, unchanged base first): chr17-31233110-CTGATCGGT-C. GRCh37 (hg19) VCF-style: chr17-29560128-CTGATCGGT-C.
Other names: c.3607_3614delGATCGGTT, p.Asp1203Terfs (NM_000267.4); c.3607_3614delGATCGGTT (NM_000267.3).
Identifiers: ClinVar variation 1733159 (VCV001733159.2), dbSNP rs2508239373, ClinGen allele CA2580093085.